The following is an entry in ClinVar:

ClinVar aggregate classification (germline): Uncertain significance (1 of 4 stars; one submission).

Submission:

Labcorp Genetics (formerly Invitae), Labcorp
Classification: Uncertain significance. Last evaluated: 2025-04-18. Review status: criteria provided, single submitter. Criteria: Invitae Variant Classification Sherloc (09022015). Collection method: clinical testing. Allele origin: germline.
Comment: This sequence change replaces proline, which is neutral and non-polar, with glutamine, which is neutral and polar, at codon 1606 of the KMT2E protein (p.Pro1606Gln). This variant is not present in population databases (gnomAD no frequency). This variant has not been reported in the literature in individuals affected with KMT2E-related conditions. An algorithm developed to predict the effect of missense changes on protein structure and function (PolyPhen-2) suggests that this variant is likely to be tolerated. In summary, the available evidence is currently insufficient to determine the role of this variant in disease. Therefore, it has been classified as a Variant of Uncertain Significance.

NM_182931.3(KMT2E):c.4817C>A (p.Pro1606Gln)

Gene: KMT2E (lysine methyltransferase 2E (inactive); plus strand). Cytogenetic location: 7q22.3.
Variant type: single nucleotide variant.
Coding change: c.4817C>A on transcript NM_182931.3 (MANE Select); coding-DNA position 4817, C replaced by A.
Protein change: p.Pro1606Gln; replaces proline 1606 with glutamine.
Molecular consequence: missense variant.
Genome position (GRCh38, 1-based): chr7:105,112,573, C>A. VCF-style: chr7-105112573-C-A. GRCh37 (hg19) VCF-style: chr7-104753020-C-A.
Other names: c.4691C>A, p.Pro1564Gln (NM_001410908.1); c.4817C>A, p.Pro1606Gln (NM_018682.4); short protein forms P1564Q, P1606Q.
Identifiers: ClinVar variation 4716096 (VCV004716096.1).